The following is an entry in ClinVar:

NM_000179.3(MSH6):c.680G>A (p.Ser227Asn)

Gene: MSH6 (mutS homolog 6; plus strand). Cytogenetic location: 2p16.3.
Variant type: single nucleotide variant.
Coding change: c.680G>A on transcript NM_000179.3 (MANE Select); coding-DNA position 680, G replaced by A.
Protein change: p.Ser227Asn; replaces serine 227 with asparagine.
Molecular consequence: missense variant. On other transcripts: 5 prime UTR variant (2).
Genome position (GRCh38, 1-based): chr2:47,798,663, G>A. VCF-style: chr2-47798663-G-A. GRCh37 (hg19) VCF-style: chr2-48025802-G-A.
Other names: p.S227N:AGT>AAT; c.290G>A, p.Ser97Asn (NM_001281492.2); c.-227G>A (NM_001281493.2, NM_001281494.2); short protein forms S227N, S97N.
Identifiers: ClinVar variation 182610 (VCV000182610.24), dbSNP rs587779317, ClinGen allele CA016232.

ClinVar aggregate classification (germline): Conflicting classifications of pathogenicity. Review status: criteria provided, conflicting classifications (1 of 4 stars). 6 submissions from 6 submitters: Uncertain significance (5); Likely benign (1). Last evaluated 2025-12-15.

Conditions:
Hereditary nonpolyposis colorectal neoplasms. Identifiers: MedGen C0009405, MeSH D003123.
Hereditary cancer-predisposing syndrome. Also called: Tumor predisposition; Hereditary neoplastic syndrome; Neoplastic Syndromes, Hereditary; Hereditary Cancer Syndrome. Identifiers: Orphanet 140162, MedGen C0027672, MeSH D009386, MONDO:0015356.
Endometrial carcinoma. Also called: Endometrial carcinoma, somatic. Identifiers: MedGen C0476089, MONDO:0002447, OMIM 608089, HP:0012114.

Allele frequency attached by ClinVar (database versions not stated): gnomAD exomes below 0.00001; TOPMed below 0.00001.
gnomAD v4.1: 8 of 1,613,580 alleles (0.0005%); highest among the groups gnomAD compares: African/African-American, 0.0013%; no homozygotes.

Submissions (6):

Ambry Genetics
Classification: Uncertain significance for Hereditary cancer-predisposing syndrome. Last evaluated: 2025-12-15. Review status: criteria provided, single submitter. Criteria: Ambry Variant Classification Scheme 2023. Collection method: clinical testing. Allele origin: germline.
Comment: The p.S227N variant (also known as c.680G>A), located in coding exon 4 of the MSH6 gene, results from a G to A substitution at nucleotide position 680. The serine at codon 227 is replaced by asparagine, an amino acid with highly similar properties This amino acid position is well conserved in available vertebrate species. In addition, this alteration is predicted to be tolerated by in silico analysis. Based on the available evidence, the clinical significance of this variant remains unclear.

Labcorp Genetics (formerly Invitae), Labcorp
Classification: Likely benign for Hereditary nonpolyposis colorectal neoplasms. Last evaluated: 2025-12-08. Review status: criteria provided, single submitter. Criteria: Invitae Variant Classification Sherloc (09022015). Collection method: clinical testing. Allele origin: germline.

Color Diagnostics, LLC DBA Color Health
Classification: Uncertain significance for Hereditary cancer-predisposing syndrome. Last evaluated: 2025-06-04. Review status: criteria provided, single submitter. Criteria: ACMG Guidelines, 2015. Collection method: clinical testing. Allele origin: germline.
Comment: This missense variant replaces serine with asparagine at codon 227 of the MSH6 protein. Computational prediction suggests that this variant may not impact protein structure and function. To our knowledge, functional studies have not been reported for this variant. This variant has not been reported in individuals affected with MSH6-related disorders in the literature. This variant has been identified in 1/250374 chromosomes in the general population by the Genome Aggregation Database (gnomAD). The available evidence is insufficient to determine the role of this variant in disease conclusively. Therefore, this variant is classified as a Variant of Uncertain Significance.

GeneDx
Classification: Uncertain significance. Last evaluated: 2025-03-14. Review status: criteria provided, single submitter. Criteria: GeneDx Variant Classification Process June 2021. Collection method: clinical testing. Allele origin: germline. Affected: yes.
Comment: Not observed at significant frequency in large population cohorts (gnomAD); In silico analysis indicates that this missense variant does not alter protein structure/function; This variant is associated with the following publications: (PMID: 21437237, 29684080)

Baylor Genetics
Classification: Uncertain significance for Endometrial carcinoma. Last evaluated: 2023-08-31. Review status: criteria provided, single submitter. Criteria: ACMG Guidelines, 2015. Collection method: clinical testing. Allele origin: unknown.

Women's Health and Genetics/Laboratory Corporation of America, LabCorp
Classification: Uncertain significance. Last evaluated: 2018-08-27. Review status: criteria provided, single submitter. Criteria: LabCorp Variant Classification Summary - May 2015. Collection method: clinical testing. Allele origin: germline.
Comment: Variant summary: MSH6 c.680G>A (p.Ser227Asn) results in a conservative amino acid change in the encoded protein sequence. Four of five in-silico tools predict a benign effect of the variant on protein function. The variant allele was found at a frequency of 4.1e-06 in 245144 control chromosomes (gnomAD). The available data on variant occurrences in the general population are insufficient to allow any conclusion about variant significance. To our knowledge, no occurrence of c.680G>A in individuals affected with Lynch Syndrome and no experimental evidence demonstrating its impact on protein function have been reported. Three clinical diagnostic laboratories have submitted clinical-significance assessments for this variant to ClinVar after 2014 without evidence for independent evaluation. All laboratories classified the variant as uncertain significance. Based on the evidence outlined above, the variant was classified as uncertain significance.